The following is an entry in ClinVar:

ClinVar aggregate classification (germline): Pathogenic (1 of 4 stars; one submission).

Allele frequency attached by ClinVar (database versions not stated): ESP Exome Variant Server 0.00008.
gnomAD v4.1: 9 of 1,610,366 alleles (0.00056%); highest among the groups gnomAD compares: African/African-American, 0.0013%; no homozygotes.

Submission:

Labcorp Genetics (formerly Invitae), Labcorp
Classification: Pathogenic. Last evaluated: 2022-10-29. Review status: criteria provided, single submitter. Criteria: Invitae Variant Classification Sherloc (09022015). Collection method: clinical testing. Allele origin: germline.
Comment: For these reasons, this variant has been classified as Pathogenic. This variant disrupts a region of the TYR protein in which other variant(s) (p.Ala490Cysfs*20) have been determined to be pathogenic (PMID: 1642278, 1711223, 13680365, 18463683). This suggests that this is a clinically significant region of the protein, and that variants that disrupt it are likely to be disease-causing. Variants that disrupt the consensus splice site are a relatively common cause of aberrant splicing (PMID: 17576681, 9536098). Algorithms developed to predict the effect of sequence changes on RNA splicing suggest that this variant may disrupt the consensus splice site. Disruption of this splice site has been observed in individual(s) with oculocutaneous albinism (PMID: 18821858). This variant is present in population databases (rs369610829, gnomAD 0.01%). This sequence change affects a donor splice site in intron 4 of the TYR gene. While this variant is not anticipated to result in nonsense mediated decay, it likely alters RNA splicing and results in a disrupted protein product.

Literature cited by the submitters: PubMed 1642278; PubMed 1711223; PubMed 13680365; PubMed 18463683; PubMed 17576681; PubMed 9536098; PubMed 18821858.

NM_000372.5(TYR):c.1366+1G>A

Gene: TYR (tyrosinase; plus strand). Cytogenetic location: 11q14.3.
Variant type: single nucleotide variant.
Coding change: c.1366+1G>A on transcript NM_000372.5 (MANE Select); the canonical splice donor site of the intron after coding-DNA position 1366, G replaced by A.
Molecular consequence: splice donor variant.
Genome position (GRCh38, 1-based): chr11:89,284,955, G>A. VCF-style: chr11-89284955-G-A. GRCh37 (hg19) VCF-style: chr11-89018123-G-A.
Identifiers: ClinVar variation 2137235 (VCV002137235.4), dbSNP rs369610829, ClinGen allele CA226650354.
Genomic context (GRCh38, chr11:89,284,955, plus strand): 5'-GTGATTTCTTTATTTCATCCAAAGATCTGGGCTATGACTATAGCTATCTACAAGATTCAG[G>A]TAAAGTTTACTTTCTTTCAGAGGAATTGCTGAATCTAGTGTTACCAATTTATTTTGAGAT-3'